The following is an entry in ClinVar:

NC_000007.14:g.156790772T>G

Genes: LMBR1 (limb development membrane protein 1; minus strand), SHH (sonic hedgehog signaling molecule; minus strand), ZRS (ZPA regulatory sequence; plus strand). Cytogenetic location: 7q36.3.
Variant type: single nucleotide variant.
Molecular consequence: intron variant (on NM_022458.4).
Genome position: GRCh38 VCF-style: chr7-156790772-T-G. GRCh37 (hg19) VCF-style: chr7-156583466-T-G.
Other names: c.360+5617A>C (NM_001363412.2); c.144+5617A>C (NM_001350954.2); c.423+5617A>C (NM_001363410.2, NM_022458.4, NM_001363409.2 and 1 more transcripts); c.-112+5617A>C (NM_001350958.2, NM_001350956.2, NM_001350955.2 and 1 more transcripts); c.54+5617A>C (NM_001350957.2, NM_001363411.2).
Identifiers: ClinVar variation 4984060 (VCV004984060.1).

ClinVar aggregate classification (germline): Uncertain significance (1 of 4 stars; one submission).

Conditions:
SHH-related disorder. Also called: SHH-related disorders; SHH-related condition.

Submission:

PreventionGenetics, part of Exact Sciences
Classification: Uncertain significance for SHH-related condition. Last evaluated: 2026-08-24. Review status: criteria provided, single submitter. Criteria: ACMG Guidelines, 2015. Collection method: clinical testing. Allele origin: germline.
Comment: The SHH c.-978650A>C variant is located in the 5' untranslated region. To our knowledge, this variant has not been reported in the literature or in a large population database (gnomAD), indicating this variant is rare. At this time, the clinical significance of this variant is uncertain due to the absence of conclusive functional and genetic evidence.